The following is an entry in ClinVar:

NM_001111067.4(ACVR1):c.1086C>A (p.Ser362=)

Gene: ACVR1 (activin A receptor type 1; minus strand). Cytogenetic location: 2q24.1.
Variant type: single nucleotide variant.
Coding change: c.1086C>A on transcript NM_001111067.4 (MANE Select); coding-DNA position 1086, C replaced by A.
Protein change: p.Ser362=; no amino-acid change (serine 362 retained).
Molecular consequence: synonymous variant.
Genome position (GRCh38, 1-based): chr2:157,761,058, G>T on the plus strand (C>A on the coding strand, the complement: ACVR1 is on the minus strand). VCF-style: chr2-157761058-G-T. GRCh37 (hg19) VCF-style: chr2-158617570-G-T.
Other names: c.1086C>A, p.Ser362= (NM_001105.5, NM_001347663.1, NM_001347664.1 and 3 more transcripts).
Identifiers: ClinVar variation 331691 (VCV000331691.18), dbSNP rs149498219, ClinGen allele CA1919012.
Genomic context (GRCh38, chr2:157,761,058, plus strand): 5'-CATGTAGCGCTTGGTGCCCACACGGGGATTGTTCCCCACATCAAGCTGATTGGTGCTCTG[G>T]GAATGCATGACTGCCAGGCCTGAAAGGAAGAAGATAACAATGTAATCAACCCACTTCCTT-3'
Protein context (NP_001104537.1, residues 352-372): IADLGLAVMH[Ser362=]QSTNQLDVGN

ClinVar aggregate classification (germline): Benign/Likely benign. Review status: criteria provided, multiple submitters, no conflicts (2 of 4 stars). 6 submissions from 6 submitters: Benign (4); Likely benign (2). Last evaluated 2026-05-06.

Conditions:
ACVR1-related disorder. Also called: ACVR1-related condition.
Progressive myositis ossificans (FOP). Also called: Fibrodysplasia Ossificans Progressiva; Myositis ossificans progressiva; Progressive ossifying myositis. Identifiers: Orphanet 337, MedGen C0016037, MONDO:0007606, OMIM 135100.

Allele frequency attached by ClinVar (database versions not stated): gnomAD 0.00070 and 0.00076; ESP Exome Variant Server 0.00085; TOPMed 0.00091; ExAC 0.00099; gnomAD exomes 0.00110.
gnomAD v4.1: 1,519 of 1,613,992 alleles (0.094%); highest among the groups gnomAD compares: Admixed American, 0.098%; 1 homozygote.

Submissions (6):

PreventionGenetics, part of Exact Sciences
Classification: Likely benign for ACVR1-related condition. Last evaluated: 2026-05-06. Review status: criteria provided, single submitter. Criteria: ACMG Guidelines, 2015. Collection method: clinical testing. Allele origin: germline.
Comment: This variant is classified as likely benign based on ACMG/AMP sequence variant interpretation guidelines (Richards et al. 2015 PMID: 25741868, with internal and published modifications).

Labcorp Genetics (formerly Invitae), Labcorp
Classification: Benign. Last evaluated: 2026-01-13. Review status: criteria provided, single submitter. Criteria: Invitae Variant Classification Sherloc (09022015). Collection method: clinical testing. Allele origin: germline.

Blueprint Genetics
Classification: Likely benign. Last evaluated: 2024-11-21. Review status: criteria provided, single submitter. Criteria: ACMG Guidelines, 2015. Collection method: clinical testing. Allele origin: germline.

Genome-Nilou Lab
Classification: Benign for Progressive myositis ossificans. Last evaluated: 2021-12-05. Review status: criteria provided, single submitter. Criteria: ACMG Guidelines, 2015. Collection method: clinical testing. Allele origin: germline. Affected: no.

Illumina Laboratory Services, Illumina
Classification: Benign for Progressive myositis ossificans. Last evaluated: 2018-01-12. Review status: criteria provided, single submitter. Criteria: ICSL Variant Classification Criteria 13 December 2019. Collection method: clinical testing. Allele origin: germline.
Comment: This variant was observed in the ICSL laboratory as part of a predisposition screen in an ostensibly healthy population. It had not been previously curated by ICSL or reported in the Human Gene Mutation Database (HGMD: prior to June 1st, 2018), and was therefore a candidate for classification through an automated scoring system. Utilizing variant allele frequency, disease prevalence and penetrance estimates, and inheritance mode, an automated score was calculated to assess if this variant is too frequent to cause the disease. Based on the score and internal cut-off values, a variant classified as benign is not then subjected to further curation. The score for this variant resulted in a classification of benign for this disease.

Breakthrough Genomics
Classification: Benign. Review status: criteria provided, single submitter. Criteria: ACMG Guidelines, 2015. Collection method: not provided. Allele origin: germline. Inheritance: Autosomal dominant inheritance. Affected: yes.